The following is an entry in ClinVar:

ClinVar aggregate classification (germline): Likely benign (1 of 4 stars; one submission).

Allele frequency attached by ClinVar (database versions not stated): TOPMed 0.00001; ESP Exome Variant Server 0.00008.
gnomAD v4.1: 6 of 1,611,362 alleles (0.00037%); highest among the groups gnomAD compares: East Asian, 0.0022%; no homozygotes.

Submission:

CeGaT Center for Human Genetics Tuebingen
Classification: Likely benign. Last evaluated: 2023-05-01. Review status: criteria provided, single submitter. Criteria: CeGaT Center For Human Genetics Tuebingen Variant Classification Criteria Version 2. Collection method: clinical testing. Allele origin: germline. Affected: yes. Observed: 1 variant allele.
Comment: MEGF8: BP4, BP7

NM_001271938.2(MEGF8):c.6219T>C (p.Ser2073=)

Gene: MEGF8 (multiple EGF like domains 8; plus strand). Cytogenetic location: 19q13.2.
Variant type: single nucleotide variant.
Coding change: c.6219T>C on transcript NM_001271938.2 (MANE Select); coding-DNA position 6219, T replaced by C.
Protein change: p.Ser2073=; no amino-acid change (serine 2073 retained).
Molecular consequence: synonymous variant.
Genome position (GRCh38, 1-based): chr19:42,363,208, T>C. VCF-style: chr19-42363208-T-C. GRCh37 (hg19) VCF-style: chr19-42867360-T-C.
Other names: c.6018T>C, p.Ser2006= (NM_001410.3).
Identifiers: ClinVar variation 2650035 (VCV002650035.24), dbSNP rs373068327, ClinGen allele CA308647372.